The following is an entry in ClinVar:

ClinVar aggregate classification (germline): Conflicting classifications of pathogenicity. Review status: criteria provided, conflicting classifications (1 of 4 stars). 3 submissions from 3 submitters: Pathogenic (1); Likely pathogenic (1); Uncertain significance (1). Last evaluated 2026-03-02.

Conditions:
Peroxisome biogenesis disorder 14B (PEX14B). Identifiers: Orphanet 44, MedGen C3554055, MONDO:0013967, OMIM 614920.

Allele frequency attached by ClinVar (database versions not stated): gnomAD exomes below 0.00001 and 0.00001; TOPMed below 0.00001; gnomAD 0.00001.

Submissions (3):

Division of Neurology, Stellenbosch University
Classification: Pathogenic for Peroxisome biogenesis disorder 14B. Last evaluated: 2026-03-02. Review status: criteria provided, single submitter. Criteria: ACMG Guidelines, 2015. Collection method: research. Allele origin: germline. Inheritance: Autosomal recessive inheritance. Affected: yes. Observed: 2 variant alleles, 2 homozygotes.
Comment: PVS1_Very Strong: Null variant (start loss) in a gene where LOF is a known mechanism of disease. PP3_Moderate: variant (homozygous) segregates with 2 affected siblings. PP5_Supporting: Reputable source recently reports the variant as pathogenic, but the evidence is not available to the laboratory to perform an independent evaluation (VCV001351893.6). PM2_Supporting: the highest population allele frequency in gnomAD v4.1 is 0.00003306 (0.003%; 2/60498 alleles in "Remaining" group). Sequencing funded by the International Centre for Genomic Medicine in Neuromuscular Diseases (ICGNMD).

Fulgent Genetics
Classification: Likely pathogenic for Peroxisome biogenesis disorder 14B. Last evaluated: 2024-01-29. Review status: criteria provided, single submitter. Criteria: ACMG Guidelines, 2015. Collection method: clinical testing. Allele origin: germline.

Labcorp Genetics (formerly Invitae), Labcorp
Classification: Uncertain significance. Last evaluated: 2021-09-01. Review status: criteria provided, single submitter. Criteria: Invitae Variant Classification Sherloc (09022015). Collection method: clinical testing. Allele origin: germline.
Comment: This sequence change affects the initiator methionine of the PEX11B mRNA. The next in-frame methionine is located at codon 133. The frequency data for this variant in the population databases is considered unreliable, as metrics indicate poor data quality at this position in the ExAC database. This variant has not been reported in the literature in individuals affected with PEX11B-related conditions. Algorithms developed to predict the effect of sequence changes on RNA splicing suggest that this variant may create or strengthen a splice site. In summary, the available evidence is currently insufficient to determine the role of this variant in disease. Therefore, it has been classified as a Variant of Uncertain Significance.

Literature cited by the submitters: PubMed 37712079 (cited by Division of Neurology, Stellenbosch University).

NM_003846.3(PEX11B):c.2T>G (p.Met1Arg)

Gene: PEX11B (peroxisomal biogenesis factor 11 beta; minus strand). Cytogenetic location: 1q21.1.
Variant type: single nucleotide variant.
Coding change: c.2T>G on transcript NM_003846.3 (MANE Select); coding-DNA position 2, T replaced by G.
Protein change: p.Met1Arg; changes the start codon (methionine 1).
Molecular consequence: missense variant, initiator codon variant. On other transcripts: non-coding transcript variant (2).
Genome position (GRCh38, 1-based): chr1:145,918,687, A>C on the plus strand (T>G on the coding strand, the complement: PEX11B is on the minus strand). VCF-style: chr1-145918687-A-C. GRCh37 (hg19) VCF-style: chr1-145516402-T-G.
Other names: short protein forms M1R.
Identifiers: ClinVar variation 1351893 (VCV001351893.6), dbSNP rs782342783, ClinGen allele CA1055460.